The following is an entry in ClinVar:

ClinVar aggregate classification (germline): Uncertain significance. Review status: criteria provided, multiple submitters, no conflicts (2 of 4 stars). 2 submissions from 2 submitters: Uncertain significance (2). Last evaluated 2025-05-27.

Conditions:
Pheochromocytoma/paraganglioma syndrome 5. Also called: Paragangliomas 5; SDHA-Related Hereditary Paraganglioma-Pheochromocytoma Syndrome. Identifiers: Orphanet 29072, MedGen C3279992, MONDO:0013602, OMIM 614165.
Mitochondrial complex II deficiency, nuclear type 1. Also called: SUCCINATE CoQ REDUCTASE DEFICIENCY. Identifiers: Orphanet 3208, MedGen C5700310, MONDO:0100294, OMIM 252011.
Hereditary cancer-predisposing syndrome. Also called: Tumor predisposition; Neoplastic Syndromes, Hereditary; Hereditary Cancer Syndrome; Hereditary neoplastic syndrome. Identifiers: Orphanet 140162, MedGen C0027672, MeSH D009386, MONDO:0015356.

Allele frequency attached by ClinVar (database versions not stated): gnomAD exomes below 0.00001; ExAC 0.00001.
gnomAD v4.1: 2 of 1,613,948 alleles (0.00012%); highest among the groups gnomAD compares: Non-Finnish European, 0.00017%; no homozygotes.

Submissions (2):

Ambry Genetics
Classification: Uncertain significance for Hereditary cancer-predisposing syndrome. Last evaluated: 2025-05-27. Review status: criteria provided, single submitter. Criteria: Ambry Variant Classification Scheme 2023. Collection method: clinical testing. Allele origin: germline.
Comment: The p.P147H variant (also known as c.440C>A), located in coding exon 4 of the SDHA gene, results from a C to A substitution at nucleotide position 440. The proline at codon 147 is replaced by histidine, an amino acid with similar properties. This amino acid position is conserved. In addition, this alteration is predicted to be deleterious by in silico analysis. Based on the available evidence, the clinical significance of this variant remains unclear.

Labcorp Genetics (formerly Invitae), Labcorp
Classification: Uncertain significance for Pheochromocytoma/paraganglioma syndrome 5; Mitochondrial complex II deficiency, nuclear type 1. Last evaluated: 2022-03-17. Review status: criteria provided, single submitter. Criteria: Invitae Variant Classification Sherloc (09022015). Collection method: clinical testing. Allele origin: germline.
Comment: In summary, the available evidence is currently insufficient to determine the role of this variant in disease. Therefore, it has been classified as a Variant of Uncertain Significance. Algorithms developed to predict the effect of missense changes on protein structure and function are either unavailable or do not agree on the potential impact of this missense change (SIFT: "Deleterious"; PolyPhen-2: "Probably Damaging"; Align-GVGD: "Class C0"). ClinVar contains an entry for this variant (Variation ID: 654956). This variant has not been reported in the literature in individuals affected with SDHA-related conditions. This variant is present in population databases (rs763191656, gnomAD 0.0009%). This sequence change replaces proline, which is neutral and non-polar, with histidine, which is basic and polar, at codon 147 of the SDHA protein (p.Pro147His).

NM_004168.4(SDHA):c.440C>A (p.Pro147His)

Gene: SDHA (succinate dehydrogenase complex flavoprotein subunit A; plus strand). Cytogenetic location: 5p15.33.
Variant type: single nucleotide variant.
Coding change: c.440C>A on transcript NM_004168.4 (MANE Select); coding-DNA position 440, C replaced by A.
Protein change: p.Pro147His; replaces proline 147 with histidine.
Molecular consequence: missense variant. On other transcripts: intron variant (1).
Genome position (GRCh38, 1-based): chr5:225,546, C>A. VCF-style: chr5-225546-C-A. GRCh37 (hg19) VCF-style: chr5-225661-C-A.
Other names: c.440C>A, p.Pro147His (NM_001330758.2); c.313-337C>A (NM_001294332.2); c.440C>A (NM_004168.2); short protein forms P147H.
Identifiers: ClinVar variation 654956 (VCV000654956.10), dbSNP rs763191656, ClinGen allele CA3172818.